The following is an entry in ClinVar:

ClinVar aggregate classification (germline): Uncertain significance. Review status: criteria provided, multiple submitters, no conflicts (2 of 4 stars). 2 submissions from 2 submitters: Uncertain significance (2). Last evaluated 2024-11-24.

Conditions:
Hereditary cancer-predisposing syndrome. Also called: Hereditary Cancer Syndrome; Neoplastic Syndromes, Hereditary; Hereditary neoplastic syndrome; Tumor predisposition. Identifiers: Orphanet 140162, MedGen C0027672, MeSH D009386, MONDO:0015356.
Gorlin syndrome. Also called: Nevoid Basal Cell Carcinoma Syndrome; Basal cell nevus syndrome. Identifiers: Orphanet 377, MedGen C0004779, MONDO:0007187.

gnomAD v4.1: 1 of 1,614,078 alleles (0.000062%); highest among the groups gnomAD compares: East Asian, 0.0022%; no homozygotes.

Submissions (2):

Labcorp Genetics (formerly Invitae), Labcorp
Classification: Uncertain significance for Gorlin syndrome. Last evaluated: 2024-11-24. Review status: criteria provided, single submitter. Criteria: Invitae Variant Classification Sherloc (09022015). Collection method: clinical testing. Allele origin: germline.
Comment: This sequence change replaces proline, which is neutral and non-polar, with leucine, which is neutral and non-polar, at codon 642 of the PTCH1 protein (p.Pro642Leu). This variant is not present in population databases (gnomAD no frequency). This variant has not been reported in the literature in individuals affected with PTCH1-related conditions. ClinVar contains an entry for this variant (Variation ID: 820349). Invitae Evidence Modeling of protein sequence and biophysical properties (such as structural, functional, and spatial information, amino acid conservation, physicochemical variation, residue mobility, and thermodynamic stability) has been performed for this missense variant. However, the output from this modeling did not meet the statistical confidence thresholds required to predict the impact of this variant on PTCH1 protein function. In summary, the available evidence is currently insufficient to determine the role of this variant in disease. Therefore, it has been classified as a Variant of Uncertain Significance.

Ambry Genetics
Classification: Uncertain significance for Hereditary cancer-predisposing syndrome. Last evaluated: 2024-06-11. Review status: criteria provided, single submitter. Criteria: Ambry Variant Classification Scheme 2023. Collection method: clinical testing. Allele origin: germline.
Comment: The p.P642L variant (also known as c.1925C>T), located in coding exon 14 of the PTCH1 gene, results from a C to T substitution at nucleotide position 1925. The proline at codon 642 is replaced by leucine, an amino acid with similar properties. This amino acid position is highly conserved in available vertebrate species. In addition, the in silico prediction for this alteration is inconclusive. Since supporting evidence is limited at this time, the clinical significance of this alteration remains unclear.

NM_000264.5(PTCH1):c.1925C>T (p.Pro642Leu)

Genes: PTCH1 (patched 1; minus strand), LOC100507346 (uncharacterized LOC100507346; plus strand). Cytogenetic location: 9q22.32.
Variant type: single nucleotide variant.
Coding change: c.1925C>T on transcript NM_000264.5 (MANE Select); coding-DNA position 1925, C replaced by T.
Protein change: p.Pro642Leu; replaces proline 642 with leucine.
Molecular consequence: missense variant. On other transcripts: non-coding transcript variant (2).
Genome position (GRCh38, 1-based): chr9:95,469,076, G>A on the plus strand (C>T on the coding strand, the complement: PTCH1 is on the minus strand). VCF-style: chr9-95469076-G-A. GRCh37 (hg19) VCF-style: chr9-98231358-G-A.
Other names: c.1727C>T, p.Pro576Leu (NM_001083602.3); c.1922C>T, p.Pro641Leu (NM_001083603.3); c.1472C>T, p.Pro491Leu (NM_001083604.3, NM_001083605.3, NM_001083606.3 and 1 more transcripts); c.1769C>T, p.Pro590Leu (NM_001354918.2); short protein forms P576L, P642L, P590L, P491L, P641L.
Identifiers: ClinVar variation 820349 (VCV000820349.7), dbSNP rs762371629, ClinGen allele CA374116033.